The following is an entry in ClinVar:

ClinVar aggregate classification (germline): Uncertain significance (1 of 4 stars; one submission).

Conditions:
Inborn genetic diseases. Identifiers: MedGen C0950123, MeSH D030342.

Submission:

Ambry Genetics
Classification: Uncertain significance for Inborn genetic diseases. Last evaluated: 2022-04-19. Review status: criteria provided, single submitter. Criteria: Ambry Variant Classification Scheme 2023. Collection method: clinical testing. Allele origin: germline.
Comment: The p.F134S variant (also known as c.401T>C), located in coding exon 4 of the ATR gene, results from a T to C substitution at nucleotide position 401. The phenylalanine at codon 134 is replaced by serine, an amino acid with highly dissimilar properties. This amino acid position is conserved. In addition, the in silico prediction for this alteration is inconclusive. Since supporting evidence is limited at this time, the clinical significance of this alteration remains unclear.

NM_001184.4(ATR):c.401T>C (p.Phe134Ser)

Gene: ATR (ATR checkpoint kinase; minus strand). Cytogenetic location: 3q23.
Variant type: single nucleotide variant.
Coding change: c.401T>C on transcript NM_001184.4 (MANE Select); coding-DNA position 401, T replaced by C.
Protein change: p.Phe134Ser; replaces phenylalanine 134 with serine.
Molecular consequence: missense variant.
Genome position (GRCh38, 1-based): chr3:142,563,001, A>G on the plus strand (T>C on the coding strand, the complement: ATR is on the minus strand). VCF-style: chr3-142563001-A-G. GRCh37 (hg19) VCF-style: chr3-142281843-A-G.
Other names: c.401T>C, p.Phe134Ser (NM_001354579.2); short protein forms F134S.
Identifiers: ClinVar variation 1737104 (VCV001737104.3), dbSNP rs2473429929, ClinGen allele CA354827128.